The following is an entry in ClinVar:

NM_005422.4(TECTA):c.4224C>A (p.Cys1408Ter)

Genes: TBCEL-TECTA (TBCEL-TECTA readthrough; plus strand), TECTA (tectorin alpha; plus strand). Cytogenetic location: 11q23.3.
Variant type: single nucleotide variant.
Coding change: c.4224C>A on transcript NM_005422.4 (MANE Select); coding-DNA position 4224, C replaced by A.
Protein change: p.Cys1408Ter; replaces cysteine 1408 with a stop codon.
Molecular consequence: nonsense.
Genome position (GRCh38, 1-based): chr11:121,152,999, C>A. VCF-style: chr11-121152999-C-A. GRCh37 (hg19) VCF-style: chr11-121023708-C-A.
Other names: c.5181C>A, p.Cys1727Ter (NM_001378761.1); short protein forms C1408*, C1727*.
Identifiers: ClinVar variation 3375232 (VCV003375232.1).
Genomic context (GRCh38, chr11:121,152,999, plus strand): 5'-CTGCGCCGCCATCCGCCTGAAGAGTGACTGCAGCCACTACTGCGTGGAGGGCTGTCACTG[C>A]GACGCTGGCTACGTCCTCAACGGCAAGAGCTGCATCCTGCCCCACAGCTGCGGCTGCTAC-3'

ClinVar aggregate classification (germline): Pathogenic (1 of 4 stars; one submission).

Conditions:
Autosomal recessive nonsyndromic hearing loss 21. Identifiers: Orphanet 90636, MedGen C1863655, MONDO:0011351, OMIM 603629.

gnomAD v4.1: 1 of 1,614,172 alleles (0.000062%); highest among the groups gnomAD compares: African/African-American, 0.0013%; no homozygotes.

Submission:

Women's Health and Genetics/Laboratory Corporation of America, LabCorp
Classification: Pathogenic for Autosomal recessive nonsyndromic hearing loss 21. Last evaluated: 2024-09-24. Review status: criteria provided, single submitter. Criteria: LabCorp Variant Classification Summary - May 2015. Collection method: clinical testing. Allele origin: germline.
Comment: Variant summary: TECTA c.4224C>A (p.Cys1408X) results in a premature termination codon, predicted to cause a truncation of the encoded protein or absence of the protein due to nonsense mediated decay, which are commonly known mechanisms for disease. The variant was absent in 251152 control chromosomes. To our knowledge, no occurrence of c.4224C>A in individuals affected with Deafness, Autosomal Recessive 21 and no experimental evidence demonstrating its impact on protein function have been reported. No submitters have cited clinical-significance assessments for this variant to ClinVar. Based on the evidence outlined above, the variant was classified as pathogenic.